The following is an entry in ClinVar:

NM_000051.4(ATM):c.3295G>A (p.Asp1099Asn)

Gene: ATM (ATM serine/threonine kinase; plus strand). Cytogenetic location: 11q22.3.
Variant type: single nucleotide variant.
Coding change: c.3295G>A on transcript NM_000051.4 (MANE Select); coding-DNA position 3295, G replaced by A.
Protein change: p.Asp1099Asn; replaces aspartic acid 1099 with asparagine.
Molecular consequence: missense variant.
Genome position (GRCh38, 1-based): chr11:108,279,501, G>A. VCF-style: chr11-108279501-G-A. GRCh37 (hg19) VCF-style: chr11-108150228-G-A.
Other names: c.3295G>A, p.Asp1099Asn (NM_001351834.2); short protein forms D1099N.
Identifiers: ClinVar variation 188196 (VCV000188196.33), dbSNP rs372966951, ClinGen allele CA334286.

ClinVar aggregate classification (germline): Conflicting classifications of pathogenicity. Review status: criteria provided, conflicting classifications (1 of 4 stars). 13 submissions from 13 submitters: Uncertain significance (8); Likely benign (2). 3 of the submissions do not count toward it. Last evaluated 2026-01-31.

Conditions:
Familial cancer of breast. Also called: BREAST CANCER, FAMILIAL; Hereditary breast cancer; hereditary breast carcinoma. Identifiers: Orphanet 227535, MedGen C0346153, MONDO:0016419, OMIM 114480. Disease mechanism: loss of function.
ATM-related disorder. Also called: ATM-related disorders; ATM-related condition.
Hereditary cancer-predisposing syndrome. Also called: Hereditary Cancer Syndrome; Neoplastic Syndromes, Hereditary; Tumor predisposition; Hereditary neoplastic syndrome. Identifiers: Orphanet 140162, MedGen C0027672, MeSH D009386, MONDO:0015356.
Ataxia-telangiectasia syndrome (AT). Also called: Ataxia-telangiectasia, complementation group D; AT, COMPLEMENTATION GROUP C; ATAXIA-TELANGIECTASIA, COMPLEMENTATION GROUP A; ATAXIA-TELANGIECTASIA, FRESNO VARIANT; Ataxia-telangiectasia; LOUIS-BAR SYNDROME. Identifiers: Orphanet 100, MedGen C0004135, MONDO:0008840, OMIM 208900.
Malignant tumor of breast. Also called: Cancer breast; Malignant breast neoplasm. Identifiers: MedGen C0006142, MONDO:0007254. Disease mechanism: loss of function.

Allele frequency attached by ClinVar (database versions not stated): gnomAD exomes 0.00003; ExAC 0.00005.
gnomAD v4.1: 30 of 1,609,150 alleles (0.0019%); highest among the groups gnomAD compares: South Asian, 0.023%; no homozygotes.

Submissions 1 to 10 of 13:

Labcorp Genetics (formerly Invitae), Labcorp
Classification: Uncertain significance for Ataxia-telangiectasia syndrome. Last evaluated: 2026-01-31. Review status: criteria provided, single submitter. Criteria: Invitae Variant Classification Sherloc (09022015). Collection method: clinical testing. Allele origin: germline.
Comment: This sequence change replaces aspartic acid, which is acidic and polar, with asparagine, which is neutral and polar, at codon 1099 of the ATM protein (p.Asp1099Asn). This variant is present in population databases (rs372966951, gnomAD 0.02%). This missense change has been observed in individual(s) with breast cancer (PMID: 19781682, 21787400, 28135145, 30093976). ClinVar contains an entry for this variant (Variation ID: 188196). Invitae Evidence Modeling of protein sequence and biophysical properties (such as structural, functional, and spatial information, amino acid conservation, physicochemical variation, residue mobility, and thermodynamic stability) indicates that this missense variant is not expected to disrupt ATM protein function with a negative predictive value of 95%. In summary, the available evidence is currently insufficient to determine the role of this variant in disease. Therefore, it has been classified as a Variant of Uncertain Significance.

Women's Health and Genetics/Laboratory Corporation of America, LabCorp
Classification: Uncertain significance. Last evaluated: 2025-10-24. Review status: criteria provided, single submitter. Criteria: LabCorp Variant Classification Summary - May 2015. Collection method: clinical testing. Allele origin: germline.
Comment: Variant summary: ATM c.3295G>A (p.Asp1099Asn) results in a conservative amino acid change in the encoded protein sequence. Algorithms developed to predict the effect of missense changes on protein structure and function all suggest that this variant is likely to be tolerated. The variant allele was found at a frequency of 2.8e-05 in 249262 control chromosomes. The available data on variant occurrences in the general population are insufficient to allow any conclusion about variant significance. c.3295G>A has been observed in individual(s) affected with Breast Cancer, Lymphoma, Mullerian Adenocarcinoma, Colorectal cancer and Pediatric cancer predisposition syndrome without evidence for causality (Fang_2003, Tavtigian_2009, Goldgar_2011, Howitt_2015, Yurgelun_2017, Tung_2016, Young_2015, Chan_Oncotarget_2018, Chan_Genomic Med_2018). . These report(s) do not provide unequivocal conclusions about association of the variant with Breast Cancer. To our knowledge, no experimental evidence demonstrating an impact on protein function has been reported. The following publications have been ascertained in the context of this evaluation (PMID: 21787400, 19781682, 12697903, 25231023, 26787654, 26976419, 28135145, 30093976, 30455982).ClinVar contains an entry for this variant (Variation ID: 188196). Based on the evidence outlined above, the variant was classified as uncertain significance.

Quest Diagnostics Nichols Institute San Juan Capistrano
Classification: Uncertain significance. Last evaluated: 2025-08-28. Review status: criteria provided, single submitter. Criteria: Quest Diagnostics criteria. Collection method: clinical testing. Allele origin: unknown.

ARUP Laboratories, Molecular Genetics and Genomics, ARUP Laboratories
Classification: Uncertain significance. Last evaluated: 2025-04-18. Review status: criteria provided, single submitter. Criteria: ARUP Molecular Germline Variant Investigation Process 2024. Collection method: clinical testing. Allele origin: germline.
Comment: The ATM c.3295G>A; p.Asp1099Asn variant (rs372966951, ClinVar Variation ID 188196) is reported in the literature in individuals with breast and colorectal cancer, but without evidence of causality (Chan 2018, Tavtigian 2009, Yurgelun 2017). This variant is only observed on seven alleles in the Genome Aggregation Database (v2.1.1), indicating it is not a common polymorphism. Computational analyses predict that this variant is neutral (REVEL: 0.072). However, given the lack of functional data, the significance of this variant is uncertain at this time. References: Chan GHJ et al. Clinical genetic testing outcome with multi-gene panel in Asian patients with multiple primary cancers. Oncotarget. 2018 Jul 17. PMID: 30093976. Tavtigian SV et al. Rare, evolutionarily unlikely missense substitutions in ATM confer increased risk of breast cancer. Am J Hum Genet. 2009 Oct. PMID: 19781682. Yurgelun MB et al. Cancer Susceptibility Gene Mutations in Individuals With Colorectal Cancer. J Clin Oncol. 2017 Apr 1. PMID: 28135145.

KCCC/NGS Laboratory, Kuwait Cancer Control Center
Classification: Uncertain significance for Familial cancer of breast. Last evaluated: 2024-11-03. Review status: criteria provided, single submitter. Criteria: ACMG Guidelines, 2015. Collection method: clinical testing. Allele origin: germline. Inheritance: Autosomal dominant inheritance. Affected: yes. Observed: 1 heterozygote.
Comment: The c.3295G>A (p.Asp1099Asn) sequence change replaces aspartic acid, which is acidic and polar, with asparagine, which is neutral and polar, at codon 1099 of the ATM protein (p.Asp1099Asn). This variant is present in population databases (rs372966951, gnomAD 0.02%). This missense change has been observed in individuals with breast, colorectal, and other cancers (PMID: 19781682, 28135145, 30455982, 30093976); This variant is associated with the following publications: (PMID: 21787400, 26787654, 19781682, 25231023, 12697903, 28135145, 30455982, 30093976, 26976419) . ClinVar contains an entry for this variant (Variation ID: 188196).In silico analysis supports that this missense variant does not alter protein structure/function. In summary, the available evidence is currently insufficient to determine the role of this variant in disease. Therefore, it has been classified as a Variant of Uncertain Significance.

Ambry Genetics
Classification: Likely benign for Hereditary cancer-predisposing syndrome. Last evaluated: 2024-10-29. Review status: criteria provided, single submitter. Criteria: Ambry Variant Classification Scheme 2023. Collection method: clinical testing. Allele origin: germline.

Color Diagnostics, LLC DBA Color Health
Classification: Likely benign for Hereditary cancer-predisposing syndrome. Last evaluated: 2024-09-19. Review status: criteria provided, single submitter. Criteria: ACMG Guidelines, 2015. Collection method: clinical testing. Allele origin: germline.

GeneDx
Classification: Uncertain significance. Last evaluated: 2023-10-26. Review status: criteria provided, single submitter. Criteria: GeneDx Variant Classification Process June 2021. Collection method: clinical testing. Allele origin: germline. Affected: yes.
Comment: In silico analysis supports that this missense variant does not alter protein structure/function; Observed in individuals with breast, colorectal, and other cancers (PMID: 19781682, 28135145, 30455982, 30093976); This variant is associated with the following publications: (PMID: 21787400, 26787654, 19781682, 25231023, 12697903, 28135145, 30455982, 30093976, 26976419)

Baylor Genetics
Classification: Uncertain significance for Familial cancer of breast. Last evaluated: 2023-10-10. Review status: criteria provided, single submitter. Criteria: ACMG Guidelines, 2015. Collection method: clinical testing. Allele origin: unknown.

Neuberg Centre For Genomic Medicine, NCGM
Classification: Uncertain significance for Familial cancer of breast. Last evaluated: 2023-06-22. Review status: criteria provided, single submitter. Criteria: ACMG Guidelines, 2015. Collection method: clinical testing. Allele origin: germline. Inheritance: Autosomal dominant inheritance. Affected: yes.
Comment: The observed missense variant c.3295G>A(p.Asp1099Asn) in ATM gene has been reported previously in multiple individuals with various cancers (Yurgelun MB, et al., 2017, Howitt BE, et al., 2015). This variant is reported with 0.003% allele frequency in gnomAD Exomes. It has been submitted to ClinVar as Likely Beningn/ Uncertain Significance (multiple submissions).The amino acid Asp at position 1099 is changed to a Asn changing protein sequence and it might alter its composition and physico-chemical properties. The reference amino acid p.Asp1099Asn in ATM is predicted as conserved by GERP++ and PhyloP across 100 vertebrates.The asparagine amino acid residue is found in multiple mammalian species, which suggests that this missense change does not adversely affect protein function. For these reasons, this variant has been classified as Uncertain Significance.